The following is an entry in ClinVar:

ClinVar aggregate classification (germline): Uncertain significance (1 of 4 stars; one submission).

gnomAD v4.1: 1 of 1,614,042 alleles (0.000062%); no homozygotes.

Submission:

Labcorp Genetics (formerly Invitae), Labcorp
Classification: Uncertain significance. Last evaluated: 2024-09-17. Review status: criteria provided, single submitter. Criteria: Invitae Variant Classification Sherloc (09022015). Collection method: clinical testing. Allele origin: germline.
Comment: This sequence change replaces serine, which is neutral and polar, with proline, which is neutral and non-polar, at codon 99 of the A2ML1 protein (p.Ser99Pro). This variant is not present in population databases (gnomAD no frequency). This variant has not been reported in the literature in individuals affected with A2ML1-related conditions. An algorithm developed to predict the effect of missense changes on protein structure and function (PolyPhen-2) suggests that this variant is likely to be disruptive. In summary, the available evidence is currently insufficient to determine the role of this variant in disease. Therefore, it has been classified as a Variant of Uncertain Significance.

NM_144670.6(A2ML1):c.295T>C (p.Ser99Pro)

Genes: A2ML1 (alpha-2-macroglobulin like 1; plus strand), A2ML1-AS1 (A2ML1 antisense RNA 1; minus strand). Cytogenetic location: 12p13.31.
Variant type: single nucleotide variant.
Coding change: c.295T>C on transcript NM_144670.6 (MANE Select); coding-DNA position 295, T replaced by C.
Protein change: p.Ser99Pro; replaces serine 99 with proline.
Molecular consequence: missense variant.
Genome position (GRCh38, 1-based): chr12:8,823,768, T>C. VCF-style: chr12-8823768-T-C. GRCh37 (hg19) VCF-style: chr12-8976364-T-C.
Other names: short protein forms S99P.
Identifiers: ClinVar variation 3730073 (VCV003730073.2).